The following is an entry in ClinVar:

NM_003401.5(XRCC4):c.628A>T (p.Lys210Ter)

Gene: XRCC4 (X-ray repair cross complementing 4; plus strand). Cytogenetic location: 5q14.2.
Variant type: single nucleotide variant.
Coding change: c.628A>T on transcript NM_003401.5 (MANE Select); coding-DNA position 628, A replaced by T.
Protein change: p.Lys210Ter; replaces lysine 210 with a stop codon.
Molecular consequence: nonsense.
Genome position (GRCh38, 1-based): chr5:83,203,697, A>T. VCF-style: chr5-83203697-A-T. GRCh37 (hg19) VCF-style: chr5-82499516-A-T.
Other names: c.628A>T, p.Lys210Ter (NM_001318012.3, NM_001318013.2, NM_022406.5 and 1 more transcripts); short protein forms K210*.
Identifiers: ClinVar variation 667362 (VCV000667362.5), dbSNP rs991596636, ClinGen allele CA122013763.

ClinVar aggregate classification (germline): Likely pathogenic. Review status: criteria provided, multiple submitters, no conflicts (2 of 4 stars). 2 submissions from 2 submitters: Likely pathogenic (2). Last evaluated 2021-10-25.

Conditions:
Short stature, microcephaly, and endocrine dysfunction (SSMED). Identifiers: Orphanet 436182, MedGen C4225288, MONDO:0014686, OMIM 616541.

Allele frequency attached by ClinVar (database versions not stated): TOPMed below 0.00001; gnomAD 0.00001.
gnomAD v4.1: 3 of 1,608,320 alleles (0.00019%); highest among the groups gnomAD compares: Non-Finnish European, 0.00017%; no homozygotes.

Submissions (2):

Fulgent Genetics
Classification: Likely pathogenic for Short stature, microcephaly, and endocrine dysfunction. Last evaluated: 2021-10-25. Review status: criteria provided, single submitter. Criteria: ACMG Guidelines, 2015. Collection method: clinical testing. Allele origin: unknown.

Laboratory for Molecular Medicine, Mass General Brigham Personalized Medicine
Classification: Likely pathogenic for Short stature, microcephaly, and endocrine dysfunction. Last evaluated: 2018-10-26. Review status: criteria provided, single submitter. Criteria: LMM Criteria. Collection method: clinical testing. Allele origin: germline. Inheritance: Autosomal recessive inheritance. Observed: 1 variant allele.
Comment: The p.Lys210X variant in XRCC4 has not been previously reported in individuals w ith disease and was absent from large population studies. This nonsense variant leads to a premature termination codon at position 210 which is predicted to lea d to a truncated or absent protein. Biallelic loss of function of the XRCC4 gene has been strongly associated with short stature, microcephaly, and endocrine dy sfunction. In summary, although additional studies are required to fully establi sh its clinical significance, the p.Lys210X variant is likely pathogenic. ACMG/A MP Criteria applied: PVS1_Strong, PM2.